The following is an entry in ClinVar:

NM_000135.4(FANCA):c.2247C>G (p.Phe749Leu)

Gene: FANCA (FA complementation group A; minus strand). Cytogenetic location: 16q24.3.
Variant type: single nucleotide variant.
Coding change: c.2247C>G on transcript NM_000135.4 (MANE Select); coding-DNA position 2247, C replaced by G.
Protein change: p.Phe749Leu; replaces phenylalanine 749 with leucine.
Molecular consequence: missense variant.
Genome position (GRCh38, 1-based): chr16:89,770,235, G>C on the plus strand (C>G on the coding strand, the complement: FANCA is on the minus strand). VCF-style: chr16-89770235-G-C. GRCh37 (hg19) VCF-style: chr16-89836643-G-C.
Other names: c.2247C>G, p.Phe749Leu (NM_001286167.3); short protein forms F749L.
Identifiers: ClinVar variation 1319525 (VCV001319525.29), dbSNP rs772842754, ClinGen allele CA286564968.

ClinVar aggregate classification (germline): Uncertain significance. Review status: criteria provided, multiple submitters, no conflicts (2 of 4 stars). 3 submissions from 3 submitters: Uncertain significance (3). Last evaluated 2025-07-18.

Conditions:
Inborn genetic diseases. Identifiers: MedGen C0950123, MeSH D030342.

gnomAD v4.1: 1 of 1,585,842 alleles (0.000063%); highest among the groups gnomAD compares: Non-Finnish European, 0.000086%; no homozygotes.

Submissions (3):

Ambry Genetics
Classification: Uncertain significance for Inborn genetic diseases. Last evaluated: 2025-07-18. Review status: criteria provided, single submitter. Criteria: Ambry Variant Classification Scheme 2023. Collection method: clinical testing. Allele origin: germline.
Comment: The p.F749L variant (also known as c.2247C>G), located in coding exon 25 of the FANCA gene, results from a C to G substitution at nucleotide position 2247. The phenylalanine at codon 749 is replaced by leucine, an amino acid with highly similar properties. This amino acid position is conserved. In addition, this alteration is predicted to be tolerated by in silico analysis. Based on the available evidence, the clinical significance of this variant remains unclear.

CeGaT Center for Human Genetics Tuebingen
Classification: Uncertain significance. Last evaluated: 2023-03-01. Review status: criteria provided, single submitter. Criteria: CeGaT Center For Human Genetics Tuebingen Variant Classification Criteria Version 2. Collection method: clinical testing. Allele origin: germline. Affected: yes. Observed: 1 variant allele.
Comment: FANCA: PM2, PM3:Supporting

Institute for Clinical Genetics, University Hospital TU Dresden, University Hospital TU Dresden
Classification: Uncertain significance. Last evaluated: 2021-11-03. Review status: criteria provided, single submitter. Criteria: ACMG Guidelines, 2015. Collection method: clinical testing. Allele origin: germline.